The following is an entry in ClinVar:

NM_138694.4(PKHD1):c.3615T>A (p.Cys1205Ter)

Gene: PKHD1 (PKHD1 ciliary IPT domain containing fibrocystin/polyductin; minus strand). Cytogenetic location: 6p12.2.
Variant type: single nucleotide variant.
Coding change: c.3615T>A on transcript NM_138694.4 (MANE Select); coding-DNA position 3615, T replaced by A.
Protein change: p.Cys1205Ter; replaces cysteine 1205 with a stop codon.
Molecular consequence: nonsense.
Genome position (GRCh38, 1-based): chr6:52,027,842, A>T on the plus strand (T>A on the coding strand, the complement: PKHD1 is on the minus strand). VCF-style: chr6-52027842-A-T. GRCh37 (hg19) VCF-style: chr6-51892640-A-T.
Other names: c.3615T>A, p.Cys1205Ter (NM_170724.3); short protein forms C1205*.
Identifiers: ClinVar variation 3764567 (VCV003764567.1).

ClinVar aggregate classification (germline): Pathogenic (1 of 4 stars; one submission).

Conditions:
Polycystic kidney disease 4 (PKD4). Also called: POLYCYSTIC KIDNEY DISEASE 4 WITH OR WITHOUT POLYCYSTIC LIVER DISEASE; PKD3; Autosomal Recessive Polycystic Kidney Disease – PKHD1; POLYCYSTIC KIDNEY AND HEPATIC DISEASE 1; POLYCYSTIC KIDNEY DISEASE, INFANTILE, TYPE I. Identifiers: MedGen C4540575, MONDO:0033004, OMIM 263200.

Submission:

Daryl Scott Lab, Baylor College of Medicine
Classification: Pathogenic for Polycystic kidney disease 4. Last evaluated: 2024-01-01. Review status: criteria provided, single submitter. Criteria: ACMG Guidelines, 2015. Collection method: clinical testing. Allele origin: paternal. Affected: yes. Observed: 1 heterozygote.
Comment: PVS1, PM2